The following is an entry in ClinVar:

ClinVar aggregate classification (germline): Uncertain significance (1 of 4 stars; one submission).

Conditions:
Congenital sideroblastic anemia-B-cell immunodeficiency-periodic fever-developmental delay syndrome. Also called: Sideroblastic anemia with B-cell immunodeficiency, periodic fevers, and developmental delay. Identifiers: Orphanet 369861, MedGen C4015172, MONDO:0014487, OMIM 616084.

Allele frequency attached by ClinVar (database versions not stated): gnomAD exomes below 0.00001; ExAC 0.00001; gnomAD 0.00001.
gnomAD v4.1: 3 of 1,613,812 alleles (0.00019%); highest among the groups gnomAD compares: African/African-American, 0.0027%; no homozygotes.

Submission:

Labcorp Genetics (formerly Invitae), Labcorp
Classification: Uncertain significance for Congenital sideroblastic anemia-B-cell immunodeficiency-periodic fever-developmental delay syndrome. Last evaluated: 2022-02-10. Review status: criteria provided, single submitter. Criteria: Invitae Variant Classification Sherloc (09022015). Collection method: clinical testing. Allele origin: germline.
Comment: In summary, the available evidence is currently insufficient to determine the role of this variant in disease. Therefore, it has been classified as a Variant of Uncertain Significance. Algorithms developed to predict the effect of missense changes on protein structure and function (SIFT, PolyPhen-2, Align-GVGD) all suggest that this variant is likely to be tolerated. This variant has not been reported in the literature in individuals affected with TRNT1-related conditions. This variant is present in population databases (rs769556416, gnomAD 0.007%). This sequence change replaces proline, which is neutral and non-polar, with alanine, which is neutral and non-polar, at codon 11 of the TRNT1 protein (p.Pro11Ala).

NM_182916.3(TRNT1):c.31C>G (p.Pro11Ala)

Gene: TRNT1 (tRNA nucleotidyl transferase 1; plus strand). Cytogenetic location: 3p26.2.
Variant type: single nucleotide variant.
Coding change: c.31C>G on transcript NM_182916.3 (MANE Select); coding-DNA position 31, C replaced by G.
Protein change: p.Pro11Ala; replaces proline 11 with alanine.
Molecular consequence: missense variant. On other transcripts: non-coding transcript variant (11).
Genome position (GRCh38, 1-based): chr3:3,129,071, C>G. VCF-style: chr3-3129071-C-G. GRCh37 (hg19) VCF-style: chr3-3170755-C-G.
Other names: c.31C>G, p.Pro11Ala (NM_001302946.2, NM_001367321.1, NM_001367322.1 and 1 more transcripts); short protein forms P11A.
Identifiers: ClinVar variation 1422232 (VCV001422232.8), dbSNP rs769556416, ClinGen allele CA2228493.
Genomic context (GRCh38, chr3:3,129,071, plus strand): 5'-TAGATGTGTAGTTGGTGACTGCCTCTCCAGATGCTGAGGTGCCTGTATCATTGGCACAGG[C>G]CAGTGCTGAACCGTAGGTGGAGTAGGCTGTGCCTTCCGAAGCAGTATCTATTCACAATGA-3'
Protein context (NP_886552.3, residues 1-21): MLRCLYHWHR[Pro11Ala]VLNRRWSRLC